The following is an entry in ClinVar:

NM_000435.3(NOTCH3):c.5517C>T (p.Gly1839=)

Gene: NOTCH3 (notch receptor 3; minus strand). Cytogenetic location: 19p13.12.
Variant type: single nucleotide variant.
Coding change: c.5517C>T on transcript NM_000435.3 (MANE Select); coding-DNA position 5517, C replaced by T.
Protein change: p.Gly1839=; no amino-acid change (glycine 1839 retained).
Molecular consequence: synonymous variant.
Genome position (GRCh38, 1-based): chr19:15,165,937, G>A on the plus strand (C>T on the coding strand, the complement: NOTCH3 is on the minus strand). VCF-style: chr19-15165937-G-A. GRCh37 (hg19) VCF-style: chr19-15276748-G-A.
Identifiers: ClinVar variation 3768935 (VCV003768935.3).
Genomic context (GRCh38, chr19:15,165,937, plus strand): 5'-CAGCAGCCGCTTGGCTGCATCAGCACGGGCATAACGGGCAGCCAGGTGCAAAGCAGTCTC[G>A]CCAGTACGGTCAGTCCGTGCCCCAAGCTGAGCCCCCTGGCAGATCAGGTCGGAGATGATG-3'
Protein context (NP_000426.2, residues 1829-1849): AQLGARTDRT[Gly1839=]ETALHLAARY

ClinVar aggregate classification (germline): Conflicting classifications of pathogenicity. Review status: criteria provided, conflicting classifications (1 of 4 stars). 2 submissions from 2 submitters: Uncertain significance (1); Likely benign (1). Last evaluated 2026-04-01.

gnomAD v4.1: 53 of 1,614,044 alleles (0.0033%); highest among the groups gnomAD compares: East Asian, 0.011%; no homozygotes.

Submissions (2):

CeGaT Center for Human Genetics Tuebingen
Classification: Likely benign. Last evaluated: 2026-04-01. Review status: criteria provided, single submitter. Criteria: CeGaT Center For Human Genetics Tuebingen Variant Classification Criteria Version 2. Collection method: clinical testing. Allele origin: germline. Affected: yes. Observed: 1 variant allele.
Comment: NOTCH3: BP4

Women's Health and Genetics/Laboratory Corporation of America, LabCorp
Classification: Uncertain significance. Last evaluated: 2025-02-19. Review status: criteria provided, single submitter. Criteria: LabCorp Variant Classification Summary - May 2015. Collection method: clinical testing. Allele origin: germline.
Comment: Variant summary: NOTCH3 c.5517C>T alters a conserved nucleotide resulting in a synonymous change. Several computational tools predict a significant impact on normal splicing: Four predict the variant creates a 5' donor site. However, these predictions have yet to be confirmed by functional studies. The variant allele was found at a frequency of 5.2e-05 in 251288 control chromosomes. This frequency is not significantly higher than estimated for a pathogenic variant in NOTCH3 causing Cerebral arteriopathy, autosomal dominant, with subcortical infarcts and leukoencephalopathy, type 1 (CADASIL1) (5.2e-05 vs 6.3e-05), allowing no conclusion about variant significance. To our knowledge, no occurrence of c.5517C>T in individuals affected with CADASIL1 or other NOTCH3-related disorders and no experimental evidence demonstrating its impact on protein function have been reported. No submitters have cited clinical-significance assessments for this variant to ClinVar. Based on the evidence outlined above, the variant was classified as uncertain significance.